The following is an entry in ClinVar:

NM_207346.3(TSEN54):c.989G>A (p.Arg330Gln)

Gene: TSEN54 (tRNA splicing endonuclease subunit 54; plus strand). Cytogenetic location: 17q25.1.
Variant type: single nucleotide variant.
Coding change: c.989G>A on transcript NM_207346.3 (MANE Select); coding-DNA position 989, G replaced by A.
Protein change: p.Arg330Gln; replaces arginine 330 with glutamine.
Molecular consequence: missense variant.
Genome position (GRCh38, 1-based): chr17:75,522,070, G>A. VCF-style: chr17-75522070-G-A. GRCh37 (hg19) VCF-style: chr17-73518151-G-A.
Other names: c.989G>A (NM_207346.2); short protein forms R330Q.
Identifiers: ClinVar variation 1434737 (VCV001434737.4), dbSNP rs769945102, ClinGen allele CA8764318.

ClinVar aggregate classification (germline): Uncertain significance. Review status: criteria provided, multiple submitters, no conflicts (2 of 4 stars). 2 submissions from 2 submitters: Uncertain significance (2). Last evaluated 2021-08-23.

Conditions:
Inborn genetic diseases. Identifiers: MedGen C0950123, MeSH D030342.

Allele frequency attached by ClinVar (database versions not stated): gnomAD 0.00002 and 0.00004; TOPMed 0.00002; gnomAD exomes 0.00004; ExAC 0.00007.

Submissions (2):

Labcorp Genetics (formerly Invitae), Labcorp
Classification: Uncertain significance. Last evaluated: 2021-08-23. Review status: criteria provided, single submitter. Criteria: Invitae Variant Classification Sherloc (09022015). Collection method: clinical testing. Allele origin: germline.
Comment: This sequence change replaces arginine with glutamine at codon 330 of the TSEN54 protein (p.Arg330Gln). The arginine residue is moderately conserved and there is a small physicochemical difference between arginine and glutamine. This variant is present in population databases (rs769945102, ExAC 0.02%). This variant has not been reported in the literature in individuals affected with TSEN54-related conditions. Algorithms developed to predict the effect of missense changes on protein structure and function are either unavailable or do not agree on the potential impact of this missense change (SIFT: "Tolerated"; PolyPhen-2: "Probably Damaging"; Align-GVGD: "Class C0"). Algorithms developed to predict the effect of sequence changes on RNA splicing suggest that this variant may create or strengthen a splice site. In summary, the available evidence is currently insufficient to determine the role of this variant in disease. Therefore, it has been classified as a Variant of Uncertain Significance.

Ambry Genetics
Classification: Uncertain significance for Inborn genetic diseases. Last evaluated: 2021-08-12. Review status: criteria provided, single submitter. Criteria: Ambry Variant Classification Scheme 2023. Collection method: clinical testing. Allele origin: germline.